The following is an entry in ClinVar:

NM_004565.3(PEX14):c.967A>G (p.Lys323Glu)

Gene: PEX14 (peroxisomal biogenesis factor 14; plus strand). Cytogenetic location: 1p36.22.
Variant type: single nucleotide variant.
Coding change: c.967A>G on transcript NM_004565.3 (MANE Select); coding-DNA position 967, A replaced by G.
Protein change: p.Lys323Glu; replaces lysine 323 with glutamic acid.
Molecular consequence: missense variant.
Genome position (GRCh38, 1-based): chr1:10,629,820, A>G. VCF-style: chr1-10629820-A-G. GRCh37 (hg19) VCF-style: chr1-10689877-A-G.
Other names: short protein forms K323E.
Identifiers: ClinVar variation 852013 (VCV000852013.10), dbSNP rs368244738, ClinGen allele CA338339169.

ClinVar aggregate classification (germline): Conflicting classifications of pathogenicity. Review status: criteria provided, conflicting classifications (1 of 4 stars). 2 submissions from 2 submitters: Uncertain significance (1); Likely benign (1). Last evaluated 2025-07-31.

Conditions:
Inborn genetic diseases. Identifiers: MedGen C0950123, MeSH D030342.
Peroxisome biogenesis disorder, complementation group K (CGK). Identifiers: MedGen C1866257, MONDO:0800365.

Allele frequency attached by ClinVar (database versions not stated): gnomAD exomes below 0.00001; TOPMed 0.00001.
gnomAD v4.1: 1 of 1,595,366 alleles (0.000063%); highest among the groups gnomAD compares: Non-Finnish European, 0.000086%; no homozygotes.

Submissions (2):

Ambry Genetics
Classification: Likely benign for Inborn genetic diseases. Last evaluated: 2025-07-31. Review status: criteria provided, single submitter. Criteria: Ambry Variant Classification Scheme 2023. Collection method: clinical testing. Allele origin: germline.

Labcorp Genetics (formerly Invitae), Labcorp
Classification: Uncertain significance for Peroxisome biogenesis disorder, complementation group K. Last evaluated: 2024-10-16. Review status: criteria provided, single submitter. Criteria: Invitae Variant Classification Sherloc (09022015). Collection method: clinical testing. Allele origin: germline.
Comment: This sequence change replaces lysine, which is basic and polar, with glutamic acid, which is acidic and polar, at codon 323 of the PEX14 protein (p.Lys323Glu). This variant is not present in population databases (gnomAD no frequency). This variant has not been reported in the literature in individuals affected with PEX14-related conditions. ClinVar contains an entry for this variant (Variation ID: 852013). An algorithm developed to predict the effect of missense changes on protein structure and function outputs the following: PolyPhen-2: "Benign". The glutamic acid amino acid residue is found in multiple mammalian species, which suggests that this missense change does not adversely affect protein function. In summary, the available evidence is currently insufficient to determine the role of this variant in disease. Therefore, it has been classified as a Variant of Uncertain Significance.